The following is an entry in ClinVar:

NM_000089.4(COL1A2):c.3367C>T (p.Arg1123Cys)

Gene: COL1A2 (collagen type I alpha 2 chain; plus strand). Cytogenetic location: 7q21.3.
Variant type: single nucleotide variant.
Coding change: c.3367C>T on transcript NM_000089.4 (MANE Select); coding-DNA position 3367, C replaced by T.
Protein change: p.Arg1123Cys; replaces arginine 1123 with cysteine.
Molecular consequence: missense variant.
Genome position (GRCh38, 1-based): chr7:94,427,726, C>T. VCF-style: chr7-94427726-C-T. GRCh37 (hg19) VCF-style: chr7-94057038-C-T.
Other names: short protein forms R1123C.
Identifiers: ClinVar variation 432395 (VCV000432395.5), dbSNP rs765271962, ClinGen allele CA4347743.
Genomic context (GRCh38, chr7:94,427,726, plus strand): 5'-GTAAGCGGTGGTGGTTATGACTTTGGTTACGATGGAGACTTCTACAGGGCTGACCAGCCT[C>T]GCTCAGCACCTTCTCTCAGACCCAAGGACTATGAAGTTGATGCTACTCTGAAGTCTCTCA-3'
Protein context (NP_000080.2, residues 1113-1133): DGDFYRADQP[Arg1123Cys]SAPSLRPKDY

ClinVar aggregate classification (germline): Uncertain significance. Review status: criteria provided, multiple submitters, no conflicts (2 of 4 stars). 2 submissions from 2 submitters: Uncertain significance (2). Last evaluated 2025-05-01.

Conditions:
Ehlers-Danlos syndrome, classic type, 1 (EDSCL1). Also called: EHLERS-DANLOS SYNDROME, GRAVIS TYPE; EHLERS-DANLOS SYNDROME, SEVERE CLASSIC TYPE; EDS I; Ehlers-Danlos Syndrome, Classic Type, COL5A1-Related; Ehlers-Danlos syndrome, type 1. Identifiers: MedGen C0268335, MONDO:0019567, OMIM 130000.
Osteogenesis imperfecta type I (OI1). Also called: OI, TYPE I; OSTEOGENESIS IMPERFECTA TARDA; OSTEOGENESIS IMPERFECTA WITH BLUE SCLERAE; Classic Non-deforming Osteogenesis Imperfecta with Blue Sclerae; Lobstein disease; Osteogenesis imperfecta type 1. Identifiers: Orphanet 216796, Orphanet 666, MedGen C0023931, MONDO:0008146, OMIM 166200. Disease mechanism: loss of function.

Allele frequency attached by ClinVar (database versions not stated): ExAC 0.00002; gnomAD exomes below 0.00001.
gnomAD v4.1: 4 of 1,614,070 alleles (0.00025%); highest among the groups gnomAD compares: African/African-American, 0.0013%; no homozygotes.

Submissions (2):

Labcorp Genetics (formerly Invitae), Labcorp
Classification: Uncertain significance for Osteogenesis imperfecta type I; Ehlers-Danlos syndrome, classic type, 1. Last evaluated: 2025-05-01. Review status: criteria provided, single submitter. Criteria: Invitae Variant Classification Sherloc (09022015). Collection method: clinical testing. Allele origin: germline.
Comment: This sequence change replaces arginine, which is basic and polar, with cysteine, which is neutral and slightly polar, at codon 1123 of the COL1A2 protein (p.Arg1123Cys). This variant is not present in population databases (gnomAD no frequency). This variant has not been reported in the literature in individuals affected with COL1A2-related conditions. ClinVar contains an entry for this variant (Variation ID: 432395). Invitae Evidence Modeling of protein sequence and biophysical properties (such as structural, functional, and spatial information, amino acid conservation, physicochemical variation, residue mobility, and thermodynamic stability) indicates that this missense variant is not expected to disrupt COL1A2 protein function with a negative predictive value of 80%. In summary, the available evidence is currently insufficient to determine the role of this variant in disease. Therefore, it has been classified as a Variant of Uncertain Significance.

GeneDx
Classification: Uncertain significance. Last evaluated: 2017-05-30. Review status: criteria provided, single submitter. Criteria: GeneDx Variant Classification (06012015). Collection method: clinical testing. Allele origin: germline. Affected: yes.
Comment: A variant of uncertain significance has been identified in the COL1A2 gene. The R1123C variant has not been published as pathogenic or been reported as benign to our knowledge. This variant is also not observed at a significant frequency in large population cohorts (Lek et al., 2016; 1000 Genomes Consortium et al., 2015; Exome Variant Server). The R1123C variant is a non-conservative amino acid substitution, which is likely to impact secondary protein structure as these residues differ in polarity, charge, size and/or other properties. Additionally, this substitution occurs at a position that is conserved in mammals. Nevertheless, in silico analysis is inconsistent in its predictions as to whether or not the variant is damaging to the protein structure/function.